The following is an entry in ClinVar:

NM_001184.4(ATR):c.1421A>G (p.Gln474Arg)

Gene: ATR (ATR serine/threonine kinase; minus strand). Cytogenetic location: 3q23.
Variant type: single nucleotide variant.
Coding change: c.1421A>G on transcript NM_001184.4 (MANE Select); coding-DNA position 1421, A replaced by G.
Protein change: p.Gln474Arg; replaces glutamine 474 with arginine.
Molecular consequence: missense variant. On other transcripts: intron variant (1).
Genome position (GRCh38, 1-based): chr3:142,560,383, T>C on the plus strand (A>G on the coding strand, the complement: ATR is on the minus strand). VCF-style: chr3-142560383-T-C. GRCh37 (hg19) VCF-style: chr3-142279225-T-C.
Other names: c.1349+860A>G (NM_001354579.2); short protein forms Q474R.
Identifiers: ClinVar variation 3462642 (VCV003462642.1).

ClinVar aggregate classification (germline): Uncertain significance (1 of 4 stars; one submission).

Conditions:
Inborn genetic diseases. Identifiers: MedGen C0950123, MeSH D030342.

Submission:

Ambry Genetics
Classification: Uncertain significance for Inborn genetic diseases. Last evaluated: 2024-09-08. Review status: criteria provided, single submitter. Criteria: Ambry Variant Classification Scheme 2023. Collection method: clinical testing. Allele origin: germline.
Comment: The p.Q474R variant (also known as c.1421A>G), located in coding exon 6 of the ATR gene, results from an A to G substitution at nucleotide position 1421. The glutamine at codon 474 is replaced by arginine, an amino acid with highly similar properties. This amino acid position is conserved. In addition, this alteration is predicted to be tolerated by in silico analysis. Based on the available evidence, the clinical significance of this variant remains unclear.